The following is an entry in ClinVar:

NM_001077365.2(POMT1):c.1105C>T (p.Pro369Ser)

Gene: POMT1 (protein O-mannosyltransferase 1; plus strand). Cytogenetic location: 9q34.13.
Variant type: single nucleotide variant.
Coding change: c.1105C>T on transcript NM_001077365.2 (MANE Select); coding-DNA position 1105, C replaced by T.
Protein change: p.Pro369Ser; replaces proline 369 with serine.
Molecular consequence: missense variant. On other transcripts: non-coding transcript variant (10), intron variant (1).
Genome position (GRCh38, 1-based): chr9:131,513,261, C>T. VCF-style: chr9-131513261-C-T. GRCh37 (hg19) VCF-style: chr9-134388648-C-T.
Other names: c.943C>T, p.Pro315Ser (NM_001077366.2, NM_001353194.2); c.1105C>T, p.Pro369Ser (NM_001136113.2, NM_001374690.1); c.754C>T, p.Pro252Ser (NM_001136114.2, NM_001353195.2, NM_001374691.1 and 1 more transcripts); c.1171C>T, p.Pro391Ser (NM_001353193.2, NM_007171.4); c.1015C>T, p.Pro339Ser (NM_001353196.2); c.1009C>T, p.Pro337Ser (NM_001353197.2, NM_001353198.2); c.820C>T, p.Pro274Ser (NM_001353199.2); c.649C>T, p.Pro217Ser (NM_001353200.2); and 3 more; short protein forms P369S, P337S, P365S, P252S, P315S, P339S, P391S, P217S.
Identifiers: ClinVar variation 1476659 (VCV001476659.8), dbSNP rs2131707245, ClinGen allele CA375309024.
Genomic context (GRCh38, chr9:131,513,261, plus strand): 5'-CAGGCTCTGTGTGGTCCCGACAGCACTGTGTCTTCCAGGCACCAGCTGGTGGTGAGCAGC[C>T]CTCCGAGACCTGTGAGGCACGGGGACATGGTGCAGCTGGTCCACGGCATGACCACCCGCT-3'
Protein context (NP_001070833.1, residues 359-379): PRRHQLVVSS[Pro369Ser]PRPVRHGDMV

ClinVar aggregate classification (germline): Uncertain significance (1 of 4 stars; one submission).

Conditions:
Walker-Warburg congenital muscular dystrophy. Also called: Muscular dystrophy-dystroglycanopathy, type A; Walker-Warburg syndrome. Identifiers: Orphanet 899, MedGen C0265221, MONDO:0000171.
Autosomal recessive limb-girdle muscular dystrophy type 2K. Also called: MUSCULAR DYSTROPHY-DYSTROGLYCANOPATHY (LIMB-GIRDLE), TYPE C, 1; MUSCULAR DYSTROPHY, LIMB-GIRDLE, TYPE 2K. Identifiers: Orphanet 86812, MedGen C1836373, MONDO:0012248, OMIM 609308.
Muscular dystrophy-dystroglycanopathy (congenital with impaired intellectual development), type B, 1. Also called: Muscular dystrophy-dystroglycanopathy (congenital with intellectual disability), type B1; MUSCULAR DYSTROPHY, CONGENITAL, POMT1-RELATED. Identifiers: MedGen C5436962, MONDO:0013159, OMIM 613155.

Submission:

Labcorp Genetics (formerly Invitae), Labcorp
Classification: Uncertain significance for Muscular dystrophy-dystroglycanopathy (congenital with impaired intellectual development), type B, 1; Walker-Warburg congenital muscular dystrophy; Autosomal recessive limb-girdle muscular dystrophy type 2K. Last evaluated: 2023-10-13. Review status: criteria provided, single submitter. Criteria: Invitae Variant Classification Sherloc (09022015). Collection method: clinical testing. Allele origin: germline.
Comment: This sequence change replaces proline, which is neutral and non-polar, with serine, which is neutral and polar, at codon 391 of the POMT1 protein (p.Pro391Ser). This variant is not present in population databases (gnomAD no frequency). This variant has not been reported in the literature in individuals affected with POMT1-related conditions. ClinVar contains an entry for this variant (Variation ID: 1476659). Advanced modeling of protein sequence and biophysical properties (such as structural, functional, and spatial information, amino acid conservation, physicochemical variation, residue mobility, and thermodynamic stability) has been performed at Invitae for this missense variant, however the output from this modeling did not meet the statistical confidence thresholds required to predict the impact of this variant on POMT1 protein function. In summary, the available evidence is currently insufficient to determine the role of this variant in disease. Therefore, it has been classified as a Variant of Uncertain Significance.